The following is an entry in ClinVar:

ClinVar aggregate classification (germline): Uncertain significance (1 of 4 stars; one submission).

Submission:

Labcorp Genetics (formerly Invitae), Labcorp
Classification: Uncertain significance. Last evaluated: 2025-10-07. Review status: criteria provided, single submitter. Criteria: Invitae Variant Classification Sherloc (09022015). Collection method: clinical testing. Allele origin: germline.
Comment: This sequence change replaces cysteine, which is neutral and slightly polar, with tryptophan, which is neutral and slightly polar, at codon 1755 of the ALPK3 protein (p.Cys1755Trp). This variant is not present in population databases (gnomAD no frequency). This variant has not been reported in the literature in individuals affected with ALPK3-related conditions. Invitae Evidence Modeling of protein sequence and biophysical properties (such as structural, functional, and spatial information, amino acid conservation, physicochemical variation, residue mobility, and thermodynamic stability) indicates that this missense variant is expected to disrupt ALPK3 protein function with a positive predictive value of 80%. In summary, the available evidence is currently insufficient to determine the role of this variant in disease. Therefore, it has been classified as a Variant of Uncertain Significance.

NM_020778.5(ALPK3):c.4659C>G (p.Cys1553Trp)

Gene: ALPK3 (alpha kinase 3; plus strand). Cytogenetic location: 15q25.3.
Variant type: single nucleotide variant.
Coding change: c.4659C>G on transcript NM_020778.5 (MANE Select); coding-DNA position 4659, C replaced by G.
Protein change: p.Cys1553Trp; replaces cysteine 1553 with tryptophan.
Molecular consequence: missense variant.
Genome position (GRCh38, 1-based): chr15:84,864,601, C>G. VCF-style: chr15-84864601-C-G. GRCh37 (hg19) VCF-style: chr15-85407832-C-G.
Other names: short protein forms C1553W.
Identifiers: ClinVar variation 4746453 (VCV004746453.1).